The following is an entry in ClinVar:

NC_000023.10:g.(32408299_32429868)_(32613994_32632419)del

Gene: DMD (dystrophin; minus strand). Cytogenetic location: Xp21.1.
Variant type: Deletion.
Identifiers: ClinVar variation 4848406 (VCV004848406.1).

ClinVar aggregate classification (germline): Pathogenic (1 of 4 stars; one submission).

Conditions:
Neuromuscular disease caused by qualitative or quantitative defects of dystrophin. Also called: Qualitative or quantitative defects of dystrophin. Identifiers: Orphanet 207085, MedGen C5679787, MONDO:0016147.

Submission:

Women's Health and Genetics/Laboratory Corporation of America, LabCorp
Classification: Pathogenic for Neuromuscular disease caused by qualitative or quantitative defects of dystrophin. Last evaluated: 2026-04-20. Review status: criteria provided, single submitter. Criteria: LabCorp Variant Classification Summary - May 2015. Collection method: clinical testing. Allele origin: germline.
Comment: Variant summary: The variant involves the deletion of exons 13-30 in the DMD gene. A presumed nomenclature of c.(1482+1_1483-1)_(4233+1_4234-1)del has been designated for the purposes of this classification. This Copy Number Variant (CNV) is predicted to result in an in-frame deletion within this gene. Loss-of-function variants in this gene are known to be pathogenic. Similar copy number variants were absent in 16111 control chromosomes. c.(1482+1_1483-1)_(4233+1_4234-1)del has been observed in at least 1 individual(s) affected with Dystrophinopathies (example, Nicolas_2012). To our knowledge, no experimental evidence demonstrating an impact on protein function has been reported. At least one variant within the deleted region (c.1724T>C, p.Leu575Pro) has been classified as Pathogenic by our lab. The following publication has been ascertained in the context of this evaluation (PMID: 22776072). ClinVar contains an entry for this variant (Variation ID: 1458239). Based on the evidence outlined above, the variant was classified as pathogenic.

Literature cited by the submitters: PubMed 22776072.